The following is an entry in ClinVar:

NM_003105.6(SORL1):c.1749G>A (p.Val583=)

Gene: SORL1 (sortilin related receptor 1; plus strand). Cytogenetic location: 11q24.1.
Variant type: single nucleotide variant.
Coding change: c.1749G>A on transcript NM_003105.6 (MANE Select); coding-DNA position 1749, G replaced by A.
Protein change: p.Val583=; no amino-acid change (valine 583 retained).
Molecular consequence: synonymous variant.
Genome position (GRCh38, 1-based): chr11:121,543,611, G>A. VCF-style: chr11-121543611-G-A. GRCh37 (hg19) VCF-style: chr11-121414320-G-A.
Other names: c.1749G>A (NM_003105.5).
Identifiers: ClinVar variation 1624814 (VCV001624814.10), dbSNP rs146864372, ClinGen allele CA6328729.

ClinVar aggregate classification (germline): Benign. Review status: criteria provided, single submitter (1 of 4 stars). 2 submissions from 2 submitters: Benign (1). 1 of the submissions does not count toward it. Last evaluated 2025-12-08.

Conditions:
SORL1-related disorder. Also called: SORL1-related condition.

Allele frequency attached by ClinVar (database versions not stated): gnomAD exomes 0.00058 and 0.00048; 1000 Genomes Project 0.00060; 1000 Genomes Project 30x 0.00062; TOPMed 0.00079; gnomAD 0.00044 and 0.00051; ExAC 0.00046; ESP Exome Variant Server 0.00054.
gnomAD v4.1: 903 of 1,614,132 alleles (0.056%); highest among the groups gnomAD compares: Admixed American, 0.098%; 3 homozygotes.

Submissions (2):

Labcorp Genetics (formerly Invitae), Labcorp
Classification: Benign. Last evaluated: 2025-12-08. Review status: criteria provided, single submitter. Criteria: Invitae Variant Classification Sherloc (09022015). Collection method: clinical testing. Allele origin: germline.

PreventionGenetics, part of Exact Sciences
Classification: Likely benign for SORL1-related condition. Last evaluated: 2024-07-10. Review status: no assertion criteria provided. Collection method: clinical testing. Allele origin: germline. Not counted in ClinVar's aggregate classification.
Comment: This variant is classified as likely benign based on ACMG/AMP sequence variant interpretation guidelines (Richards et al. 2015 PMID: 25741868, with internal and published modifications).